The following is an entry in ClinVar:

ClinVar aggregate classification (germline): Uncertain significance (1 of 4 stars; one submission).

Conditions:
Mendelian susceptibility to mycobacterial diseases due to partial STAT1 deficiency. Also called: Immunodeficiency 31a; IMMUNODEFICIENCY 31A, MYCOBACTERIOSIS, AUTOSOMAL DOMINANT; STAT1 DEFICIENCY, AUTOSOMAL DOMINANT. Identifiers: Orphanet 319595, MedGen C4013950, MONDO:0013956, OMIM 614892.
Immunodeficiency 31B. Also called: IMMUNODEFICIENCY 31B, MYCOBACTERIAL AND VIRAL INFECTIONS, AUTOSOMAL RECESSIVE; STAT1 DEFICIENCY, AUTOSOMAL RECESSIVE. Identifiers: Orphanet 391311, MedGen C3151088, MONDO:0013427, OMIM 613796.
Autoimmune enteropathy and endocrinopathy - susceptibility to chronic infections syndrome. Also called: Immunodeficiency 31C; Immunodeficiency 31C, autosomal dominant. Identifiers: Orphanet 391487, MedGen C3279990, MONDO:0013599, OMIM 614162.

Submission:

Labcorp Genetics (formerly Invitae), Labcorp
Classification: Uncertain significance for Mendelian susceptibility to mycobacterial diseases due to partial STAT1 deficiency; Immunodeficiency 31B; Autoimmune enteropathy and endocrinopathy - susceptibility to chronic infections syndrome. Last evaluated: 2024-01-29. Review status: criteria provided, single submitter. Criteria: Invitae Variant Classification Sherloc (09022015). Collection method: clinical testing. Allele origin: germline.
Comment: This sequence change replaces leucine, which is neutral and non-polar, with valine, which is neutral and non-polar, at codon 383 of the STAT1 protein (p.Leu383Val). This variant is not present in population databases (gnomAD no frequency). This variant has not been reported in the literature in individuals affected with STAT1-related conditions. ClinVar contains an entry for this variant (Variation ID: 2049972). An algorithm developed to predict the effect of missense changes on protein structure and function (PolyPhen-2) suggests that this variant is likely to be disruptive. In summary, the available evidence is currently insufficient to determine the role of this variant in disease. Therefore, it has been classified as a Variant of Uncertain Significance.

NM_007315.4(STAT1):c.1147T>G (p.Leu383Val)

Gene: STAT1 (signal transducer and activator of transcription 1; minus strand). Cytogenetic location: 2q32.2.
Variant type: single nucleotide variant.
Coding change: c.1147T>G on transcript NM_007315.4 (MANE Select); coding-DNA position 1147, T replaced by G.
Protein change: p.Leu383Val; replaces leucine 383 with valine.
Molecular consequence: missense variant.
Genome position (GRCh38, 1-based): chr2:190,986,928, A>C on the plus strand (T>G on the coding strand, the complement: STAT1 is on the minus strand). VCF-style: chr2-190986928-A-C. GRCh37 (hg19) VCF-style: chr2-191851654-A-C.
Other names: c.1087T>G, p.Leu363Val (NM_001384880.1); c.1153T>G, p.Leu385Val (NM_001384881.1, NM_001384884.1); c.1141T>G, p.Leu381Val (NM_001384882.1); c.1048T>G, p.Leu350Val (NM_001384883.1); c.988T>G, p.Leu330Val (NM_001384885.1); c.1147T>G, p.Leu383Val (NM_001384886.1, NM_001384889.1, NM_139266.3); c.1054T>G, p.Leu352Val (NM_001384887.1); c.1117T>G, p.Leu373Val (NM_001384888.1); and 2 more; short protein forms L353V, L373V, L330V, L383V, L350V, L385V, L395V, L352V.
Identifiers: ClinVar variation 2049972 (VCV002049972.4), dbSNP rs1692878948, ClinGen allele CA349919160.